The following is an entry in ClinVar:

ClinVar aggregate classification (germline): Uncertain significance (1 of 4 stars; one submission).

Conditions:
Pendred syndrome (PDS). Also called: THYROID DYSHORMONOGENESIS 2B; THYROID HORMONOGENESIS, GENETIC DEFECT IN, 2B; DEAFNESS WITH GOITER; GOITER-DEAFNESS SYNDROME; Pendred Syndrome (PDS); Pendred's syndrome. Identifiers: Orphanet 705, MedGen C0271829, MONDO:0010134, OMIM 274600.

Submission:

Myriad Genetics, Inc.
Classification: Uncertain significance for Pendred syndrome. Last evaluated: 2025-09-03. Review status: criteria provided, single submitter. Criteria: Myriad Autosomal Dominant, Autosomal Recessive and X-Linked Classification Criteria (2023). Collection method: clinical testing. Allele origin: unknown.
Comment: NM_000441.1(SLC26A4):c.1296_1298delGAT(M432del) is an in-frame deletion classified as a variant of uncertain significance in the context of Pendred syndrome. M432del has not been observed in cases with relevant disease. Relevant functional assessments of this variant are not available in the literature. M432del has not been observed in referenced population frequency databases. In summary, there is insufficient evidence to classify NM_000441.1(SLC26A4):c.1296_1298delGAT(M432del) as pathogenic or benign. Please note: this variant was assessed in the context of healthy population screening.

NM_000441.2(SLC26A4):c.1293GAT[1] (p.Met432del)

Gene: SLC26A4 (solute carrier family 26 member 4; plus strand). Cytogenetic location: 7q22.3.
Variant type: Microsatellite.
Coding change: c.1293GAT[1] on transcript NM_000441.2 (MANE Select); one copy of the 3-base unit GAT starting at c.1293; the reference has two copies in a row; one copy, 3 bases deleted.
Protein change: p.Met432del; deletes methionine 432.
Molecular consequence: inframe deletion.
Genome position (GRCh38, 1-based): chr7:107,694,435-107,694,437, GAT deleted; deleting any 3 consecutive bases within chr7:107,694,431-107,694,437 gives the same sequence; the position shown is the placement nearest the transcript's 3' end. VCF-style (leftmost placement, unchanged base first): chr7-107694430-GTGA-G. GRCh37 (hg19) VCF-style: chr7-107334875-GTGA-G.
Other names: short protein forms M432del.
Identifiers: ClinVar variation 5004149 (VCV005004149.1).